The following is an entry in ClinVar:

NM_000553.4(WRN):c.-618C>G

Gene: WRN (WRN RecQ like helicase; plus strand). Cytogenetic location: 8p12.
Variant type: single nucleotide variant.
Coding change: c.-618C>G on transcript NM_000553.4; 618 bases upstream of the start codon, C replaced by G.
Genome position (GRCh38, 1-based): chr8:31,033,432, C>G. VCF-style: chr8-31033432-C-G. GRCh37 (hg19) VCF-style: chr8-30890948-C-G.
Identifiers: ClinVar variation 362775 (VCV000362775.7), dbSNP rs7017069, ClinGen allele CA10625325.

ClinVar aggregate classification (germline): Benign (1 of 4 stars; one submission).

Conditions:
Werner syndrome (WRN). Identifiers: Orphanet 902, MedGen C0043119, MONDO:0010196, OMIM 277700.

Allele frequency attached by ClinVar (database versions not stated): gnomAD exomes 0.03276; 1000 Genomes Project 30x 0.07995; gnomAD 0.08266 and 0.08717; 1000 Genomes Project 0.07688; TOPMed 0.08670.

Submission:

Illumina Laboratory Services, Illumina
Classification: Benign for Werner syndrome. Last evaluated: 2018-01-13. Review status: criteria provided, single submitter. Criteria: ICSL Variant Classification Criteria 13 December 2019. Collection method: clinical testing. Allele origin: germline.
Comment: This variant was observed in the ICSL laboratory as part of a predisposition screen in an ostensibly healthy population. It had not been previously curated by ICSL or reported in the Human Gene Mutation Database (HGMD: prior to June 1st, 2018), and was therefore a candidate for classification through an automated scoring system. Utilizing variant allele frequency, disease prevalence and penetrance estimates, and inheritance mode, an automated score was calculated to assess if this variant is too frequent to cause the disease. Based on the score and internal cut-off values, a variant classified as benign is not then subjected to further curation. The score for this variant resulted in a classification of benign for this disease.